The following is an entry in ClinVar:

NM_005327.7(HADH):c.414T>A (p.Ala138=)

Gene: HADH (hydroxyacyl-CoA dehydrogenase; plus strand). Cytogenetic location: 4q25.
Variant type: single nucleotide variant.
Coding change: c.414T>A on transcript NM_005327.7 (MANE Select); coding-DNA position 414, T replaced by A.
Protein change: p.Ala138=; no amino-acid change (alanine 138 retained).
Molecular consequence: synonymous variant.
Genome position (GRCh38, 1-based): chr4:108,014,583, T>A. VCF-style: chr4-108014583-T-A. GRCh37 (hg19) VCF-style: chr4-108935739-T-A.
Other names: c.414T>A, p.Ala138= (NM_001184705.4); c.426T>A, p.Ala142= (NM_001331027.2).
Identifiers: ClinVar variation 2655018 (VCV002655018.24), dbSNP rs1735627957, ClinGen allele CA440567145.
Genomic context (GRCh38, chr4:108,014,583, plus strand): 5'-AGCCATCGTGGAGAATCTGAAGGTGAAAAACGAGCTCTTCAAAAGGCTGGACAAGTTTGC[T>A]GCTGAGTATGTAACCTCTGGACAATCTTCTTTTTTTTTTTTTTTAACCTTATTTTTGTTT-3'
Protein context (NP_005318.6, residues 128-148): NELFKRLDKF[Ala138=]AEHTIFASNT

ClinVar aggregate classification (germline): Likely benign (1 of 4 stars; one submission).

Submission:

CeGaT Center for Human Genetics Tuebingen
Classification: Likely benign. Last evaluated: 2023-02-01. Review status: criteria provided, single submitter. Criteria: CeGaT Center For Human Genetics Tuebingen Variant Classification Criteria Version 2. Collection method: clinical testing. Allele origin: germline. Affected: yes. Observed: 1 variant allele.
Comment: HADH: PM2:Supporting, BP4, BP7